The following is an entry in ClinVar:

ClinVar aggregate classification (germline): Likely pathogenic. Review status: criteria provided, multiple submitters, no conflicts (2 of 4 stars). 2 submissions from 2 submitters: Likely pathogenic (2). Last evaluated 2025-07-30.

Conditions:
TTN-related disorder. Also called: TTN-related condition; TTN-related disease; TTN-related disorders.
Dilated cardiomyopathy 1G (CMD1G). Identifiers: Orphanet 154, MedGen C1858763, MONDO:0011400, OMIM 604145.
Autosomal recessive limb-girdle muscular dystrophy type 2J (LGMDR10). Also called: Limb-girdle muscular dystrophy, type 2J; MUSCULAR DYSTROPHY, LIMB-GIRDLE, AUTOSOMAL RECESSIVE 10. Identifiers: Orphanet 140922, MedGen C1837342, MONDO:0012127, OMIM 608807.

Submissions (2):

Labcorp Genetics (formerly Invitae), Labcorp
Classification: Likely pathogenic for Dilated cardiomyopathy 1G; Autosomal recessive limb-girdle muscular dystrophy type 2J. Last evaluated: 2025-07-30. Review status: criteria provided, single submitter. Criteria: Invitae Variant Classification Sherloc (09022015). Collection method: clinical testing. Allele origin: germline.
Comment: This sequence change creates a premature translational stop signal (p.Tyr34187*) in the TTN gene. While this is not anticipated to result in nonsense mediated decay, it is expected to create a truncated TTN protein. This variant is not present in population databases (gnomAD no frequency). This premature translational stop signal has been observed in individual(s) with clinical features of TTN-related conditions (PMID: 33673806). This variant is located in the M band of TTN (PMID: 25589632). Truncating variants in this region have been previously reported in individuals affected with autosomal dominant or autosomal recessive myopathy and muscular dystrophy (PMID: 18948003, 23975875, 24395473). Truncating variants in this region have also been identified in individuals affected with autosomal dominant dilated cardiomyopathy and/or cardio-related conditions (PMID: 27869827, 32964742, internal data). In summary, the currently available evidence indicates that the variant is pathogenic, but additional data are needed to prove that conclusively. Therefore, this variant has been classified as Likely Pathogenic.

Blueprint Genetics
Classification: Likely pathogenic for TTN-related disorders. Last evaluated: 2018-07-18. Review status: criteria provided, single submitter. Criteria: ACMG Guidelines, 2015. Collection method: clinical testing. Allele origin: germline. Affected: yes. Observed: 2 variant alleles.

Literature cited by the submitters: PubMed 33673806 (cited by Labcorp Genetics (formerly Invitae), Labcorp); PubMed 25589632 (cited by Labcorp Genetics (formerly Invitae), Labcorp); PubMed 18948003 (cited by Labcorp Genetics (formerly Invitae), Labcorp); PubMed 23975875 (cited by Labcorp Genetics (formerly Invitae), Labcorp); PubMed 24395473 (cited by Labcorp Genetics (formerly Invitae), Labcorp); PubMed 27869827 (cited by Labcorp Genetics (formerly Invitae), Labcorp); PubMed 32964742 (cited by Labcorp Genetics (formerly Invitae), Labcorp).

NM_001267550.2(TTN):c.102561C>A (p.Tyr34187Ter)

Genes: TTN (titin; minus strand), TTN-AS1 (TTN antisense RNA 1; plus strand). Cytogenetic location: 2q31.2.
Variant type: single nucleotide variant.
Coding change: c.102561C>A on transcript NM_001267550.2 (MANE Select); coding-DNA position 102561, C replaced by A.
Protein change: p.Tyr34187Ter; replaces tyrosine 34187 with a stop codon.
Molecular consequence: nonsense.
Genome position (GRCh38, 1-based): chr2:178,534,054, G>T on the plus strand (C>A on the coding strand, the complement: TTN is on the minus strand). VCF-style: chr2-178534054-G-T. GRCh37 (hg19) VCF-style: chr2-179398781-G-T.
Other names: c.97638C>A, p.Tyr32546Ter (NM_001256850.1); c.75366C>A, p.Tyr25122Ter (NM_003319.4); c.94857C>A, p.Tyr31619Ter (NM_133378.4); c.75741C>A, p.Tyr25247Ter (NM_133432.3); c.75942C>A, p.Tyr25314Ter (NM_133437.4); short protein forms Y31619*, Y25314*, Y25122*, Y32546*, Y25247*, Y34187*.
Identifiers: ClinVar variation 4791938 (VCV004791938.2).